The following is an entry in ClinVar:

NM_032607.3(CREB3L3):c.891-7C>G

Gene: CREB3L3 (cAMP responsive element binding protein 3 like 3; plus strand). Cytogenetic location: 19p13.3.
Variant type: single nucleotide variant.
Coding change: c.891-7C>G on transcript NM_032607.3 (MANE Select); 7 bases into the intron before coding-DNA position 891, C replaced by G.
Molecular consequence: intron variant.
Genome position (GRCh38, 1-based): chr19:4,171,084, C>G. VCF-style: chr19-4171084-C-G. GRCh37 (hg19) VCF-style: chr19-4171081-C-G.
Other names: c.784-7C>G (NM_001271997.2); c.885-7C>G (NM_001271996.2); c.888-7C>G (NM_001271995.2).
Identifiers: ClinVar variation 4690600 (VCV004690600.1).

ClinVar aggregate classification (germline): Uncertain significance (1 of 4 stars; one submission).

gnomAD v4.1: 8 of 1,613,136 alleles (0.0005%); highest among the groups gnomAD compares: South Asian, 0.0088%; no homozygotes.

Submission:

Labcorp Genetics (formerly Invitae), Labcorp
Classification: Uncertain significance. Last evaluated: 2025-12-21. Review status: criteria provided, single submitter. Criteria: Invitae Variant Classification Sherloc (09022015). Collection method: clinical testing. Allele origin: germline.
Comment: This sequence change falls in intron 7 of the CREB3L3 gene. It does not directly change the encoded amino acid sequence of the CREB3L3 protein. This variant is present in population databases (no rsID available, gnomAD 0.006%). This variant has not been reported in the literature in individuals affected with CREB3L3-related conditions. Algorithms developed to predict the effect of sequence changes on RNA splicing suggest that this variant may disrupt the consensus splice site. In summary, the available evidence is currently insufficient to determine the role of this variant in disease. Therefore, it has been classified as a Variant of Uncertain Significance.